The following is an entry in ClinVar:

NM_020919.4(ALS2):c.3004C>T (p.Gln1002Ter)

Gene: ALS2 (alsin Rho guanine nucleotide exchange factor ALS2; minus strand). Cytogenetic location: 2q33.1.
Variant type: single nucleotide variant.
Coding change: c.3004C>T on transcript NM_020919.4 (MANE Select); coding-DNA position 3004, C replaced by T.
Protein change: p.Gln1002Ter; replaces glutamine 1002 with a stop codon.
Molecular consequence: nonsense.
Genome position (GRCh38, 1-based): chr2:201,726,842, G>A on the plus strand (C>T on the coding strand, the complement: ALS2 is on the minus strand). VCF-style: chr2-201726842-G-A. GRCh37 (hg19) VCF-style: chr2-202591565-G-A.
Other names: c.3004C>T, p.Gln1002Ter (NM_001410975.1); short protein forms Q1002*.
Identifiers: ClinVar variation 4705719 (VCV004705719.1).

ClinVar aggregate classification (germline): Pathogenic (1 of 4 stars; one submission).

Conditions:
Infantile-onset ascending hereditary spastic paralysis (IAHSP). Also called: Infantile-Onset Ascending Hereditary Spastic Paralysis (IAHSP); Autosomal Recessive Juvenile Amyotrophic Lateral Sclerosis. Identifiers: Orphanet 293168, MedGen C2931441, MONDO:0011797, OMIM 607225. Disease mechanism: loss of function.

gnomAD v4.1: 6 of 1,613,894 alleles (0.00037%); highest among the groups gnomAD compares: African/African-American, 0.008%; no homozygotes.

Submission:

Labcorp Genetics (formerly Invitae), Labcorp
Classification: Pathogenic for Infantile-onset ascending hereditary spastic paralysis. Last evaluated: 2025-11-17. Review status: criteria provided, single submitter. Criteria: Invitae Variant Classification Sherloc (09022015). Collection method: clinical testing. Allele origin: germline.
Comment: This sequence change creates a premature translational stop signal (p.Gln1002*) in the ALS2 gene. It is expected to result in an absent or disrupted protein product. Loss-of-function variants in ALS2 are known to be pathogenic (PMID: 11586298, 24315819). This variant is present in population databases (no rsID available, gnomAD 0.01%). This variant has not been reported in the literature in individuals affected with ALS2-related conditions. For these reasons, this variant has been classified as Pathogenic.

Literature cited by the submitters: PubMed 11586298; PubMed 24315819.